The following is an entry in ClinVar:

NM_024741.3(ZNF408):c.197C>A (p.Ser66Ter)

Gene: ZNF408 (zinc finger protein 408; plus strand). Cytogenetic location: 11p11.2.
Variant type: single nucleotide variant.
Coding change: c.197C>A on transcript NM_024741.3 (MANE Select); coding-DNA position 197, C replaced by A.
Protein change: p.Ser66Ter; replaces serine 66 with a stop codon.
Molecular consequence: nonsense.
Genome position (GRCh38, 1-based): chr11:46,701,543, C>A. VCF-style: chr11-46701543-C-A. GRCh37 (hg19) VCF-style: chr11-46723093-C-A.
Other names: c.173C>A, p.Ser58Ter (NM_001184751.2); short protein forms S66*, S58*.
Identifiers: ClinVar variation 1903688 (VCV001903688.5), dbSNP rs2502784585, ClinGen allele CA380251712.

ClinVar aggregate classification (germline): Uncertain significance (1 of 4 stars; one submission).

Submission:

Labcorp Genetics (formerly Invitae), Labcorp
Classification: Uncertain significance. Last evaluated: 2022-05-08. Review status: criteria provided, single submitter. Criteria: Invitae Variant Classification Sherloc (09022015). Collection method: clinical testing. Allele origin: germline.
Comment: This variant is not present in population databases (gnomAD no frequency). This variant has not been reported in the literature in individuals affected with ZNF408-related conditions. In summary, the available evidence is currently insufficient to determine the role of this variant in disease. Therefore, it has been classified as a Variant of Uncertain Significance. This sequence change creates a premature translational stop signal (p.Ser66*) in the ZNF408 gene. It is expected to result in an absent or disrupted protein product. However, the current clinical and genetic evidence is not sufficient to establish whether loss-of-function variants in ZNF408 cause disease.